The following is an entry in ClinVar:

ClinVar aggregate classification (germline): Uncertain significance. Review status: criteria provided, multiple submitters, no conflicts (2 of 4 stars). 3 submissions from 3 submitters: Uncertain significance (3). Last evaluated 2026-01-19.

Conditions:
Familial hypokalemia-hypomagnesemia (GTLMNS). Also called: HYPOMAGNESEMIA-HYPOKALEMIA, PRIMARY RENOTUBULAR, WITH HYPOCALCIURIA; POTASSIUM AND MAGNESIUM DEPLETION; gitelman syndrome. Identifiers: Orphanet 358, MedGen C0268450, MONDO:0009904, OMIM 263800.

Allele frequency attached by ClinVar (database versions not stated): gnomAD 0.00016 and 0.00015; gnomAD exomes 0.00008 and 0.00013; ExAC 0.00022; TOPMed 0.00007; ESP Exome Variant Server 0.00031.
gnomAD v4.1: 145 of 1,614,062 alleles (0.009%); highest among the groups gnomAD compares: Non-Finnish European, 0.011%; no homozygotes.

Submissions (3):

Labcorp Genetics (formerly Invitae), Labcorp
Classification: Uncertain significance. Last evaluated: 2026-01-19. Review status: criteria provided, single submitter. Criteria: Invitae Variant Classification Sherloc (09022015). Collection method: clinical testing. Allele origin: germline.
Comment: This sequence change replaces leucine, which is neutral and non-polar, with serine, which is neutral and polar, at codon 986 of the SLC12A3 protein (p.Leu986Ser). This variant is present in population databases (rs201696394, gnomAD 0.03%). This variant has not been reported in the literature in individuals affected with SLC12A3-related conditions. ClinVar contains an entry for this variant (Variation ID: 887482). Invitae Evidence Modeling of protein sequence and biophysical properties (such as structural, functional, and spatial information, amino acid conservation, physicochemical variation, residue mobility, and thermodynamic stability) indicates that this missense variant is expected to disrupt SLC12A3 protein function with a positive predictive value of 95%. In summary, the available evidence is currently insufficient to determine the role of this variant in disease. Therefore, it has been classified as a Variant of Uncertain Significance.

Fulgent Genetics
Classification: Uncertain significance for Familial hypokalemia-hypomagnesemia. Last evaluated: 2022-03-30. Review status: criteria provided, single submitter. Criteria: ACMG Guidelines, 2015. Collection method: clinical testing. Allele origin: unknown.

Illumina Laboratory Services, Illumina
Classification: Uncertain significance for Familial hypokalemia-hypomagnesemia. Last evaluated: 2017-04-27. Review status: criteria provided, single submitter. Criteria: ICSL Variant Classification Criteria 13 December 2019. Collection method: clinical testing. Allele origin: germline.

NM_001126108.2(SLC12A3):c.2930T>C (p.Leu977Ser)

Genes: SLC12A3 (solute carrier family 12 member 3; plus strand), LOC126862361 (CDK7 strongly-dependent group 2 enhancer GRCh37_chr16:56946332-56947531; plus strand). Cytogenetic location: 16q13.
Variant type: single nucleotide variant.
Coding change: c.2930T>C on transcript NM_001126108.2 (MANE Select); coding-DNA position 2930, T replaced by C.
Protein change: p.Leu977Ser; replaces leucine 977 with serine.
Molecular consequence: missense variant.
Genome position (GRCh38, 1-based): chr16:56,913,269, T>C. VCF-style: chr16-56913269-T-C. GRCh37 (hg19) VCF-style: chr16-56947181-T-C.
Other names: c.2957T>C, p.Leu986Ser (NM_000339.3); c.2954T>C, p.Leu985Ser (NM_001126107.2); short protein forms L977S, L985S, L986S.
Identifiers: ClinVar variation 887482 (VCV000887482.7), dbSNP rs201696394, ClinGen allele CA8070167.
Genomic context (GRCh38, chr16:56,913,269, plus strand): 5'-CGTGTGGAGCGGCCCCGTGGTAATCTCTCTTCTACCACTTTTTCATGCCTTGCAGCACTT[T>C]GCCCATAGGGAGGAAGGGGAAGTGCCCCAGCTCGCTGTACATGGCCTGGCTGGAGACCCT-3'
Protein context (NP_001119580.2, residues 967-987): SRDAALIVIT[Leu977Ser]PIGRKGKCPS